The following is an entry in ClinVar:

NM_018063.5(HELLS):c.995C>T (p.Ser332Leu)

Gene: HELLS (helicase, lymphoid specific; plus strand). Cytogenetic location: 10q23.33.
Variant type: single nucleotide variant.
Coding change: c.995C>T on transcript NM_018063.5 (MANE Select); coding-DNA position 995, C replaced by T.
Protein change: p.Ser332Leu; replaces serine 332 with leucine.
Molecular consequence: missense variant. On other transcripts: 5 prime UTR variant (1), intron variant (3).
Genome position (GRCh38, 1-based): chr10:94,576,768, C>T. VCF-style: chr10-94576768-C-T. GRCh37 (hg19) VCF-style: chr10-96336525-C-T.
Other names: c.995C>T, p.Ser332Leu (NM_001289067.2, NM_001289070.2); c.947C>T, p.Ser316Leu (NM_001289068.2); c.623C>T, p.Ser208Leu (NM_001289071.2); c.581C>T, p.Ser194Leu (NM_001289073.2); c.-27C>T (NM_001289075.2); c.-67+59C>T (NM_001289074.2); c.936+59C>T (NM_001289069.2, NM_001289072.2); short protein forms S316L, S332L, S194L, S208L.
Identifiers: ClinVar variation 4729651 (VCV004729651.1).

ClinVar aggregate classification (germline): Uncertain significance (1 of 4 stars; one submission).

Submission:

Labcorp Genetics (formerly Invitae), Labcorp
Classification: Uncertain significance. Last evaluated: 2025-10-22. Review status: criteria provided, single submitter. Criteria: Invitae Variant Classification Sherloc (09022015). Collection method: clinical testing. Allele origin: germline.
Comment: This sequence change replaces serine, which is neutral and polar, with leucine, which is neutral and non-polar, at codon 332 of the HELLS protein (p.Ser332Leu). This variant is not present in population databases (gnomAD no frequency). This variant has not been reported in the literature in individuals affected with HELLS-related conditions. An algorithm developed to predict the effect of missense changes on protein structure and function (PolyPhen-2) suggests that this variant is likely to be disruptive. In summary, the available evidence is currently insufficient to determine the role of this variant in disease. Therefore, it has been classified as a Variant of Uncertain Significance.